The following is an entry in ClinVar:

ClinVar aggregate classification (germline): Uncertain significance (1 of 4 stars; one submission).

Conditions:
GM1 gangliosidosis. Identifiers: Orphanet 354, MedGen C0085131, MONDO:0018149.
Mucopolysaccharidosis, MPS-IV-B (MPS4B). Also called: MORQUIO SYNDROME B; Mucopolysaccharidosis type IV B; Mucopolysaccharidosis Type IVB; Mucopolysaccharidosis type 4B; Mucopolysaccharidosis type IVB (Morquio); MPS IVB. Identifiers: Orphanet 309310, Orphanet 582, MedGen C0086652, MONDO:0009660, OMIM 253010.

Allele frequency attached by ClinVar (database versions not stated): gnomAD exomes below 0.00001.
gnomAD v4.1: 6 of 1,614,160 alleles (0.00037%); highest among the groups gnomAD compares: South Asian, 0.0022%; no homozygotes.

Submission:

Labcorp Genetics (formerly Invitae), Labcorp
Classification: Uncertain significance for Mucopolysaccharidosis, MPS-IV-B; GM1 gangliosidosis. Last evaluated: 2022-02-20. Review status: criteria provided, single submitter. Criteria: Invitae Variant Classification Sherloc (09022015). Collection method: clinical testing. Allele origin: germline.
Comment: In summary, the available evidence is currently insufficient to determine the role of this variant in disease. Therefore, it has been classified as a Variant of Uncertain Significance. Algorithms developed to predict the effect of sequence changes on RNA splicing suggest that this variant may create or strengthen a splice site. Advanced modeling of protein sequence and biophysical properties (such as structural, functional, and spatial information, amino acid conservation, physicochemical variation, residue mobility, and thermodynamic stability) performed at Invitae indicates that this missense variant is expected to disrupt GLB1 protein function. This variant has not been reported in the literature in individuals affected with GLB1-related conditions. This variant is present in population databases (no rsID available, gnomAD 0.003%). This sequence change replaces serine, which is neutral and polar, with phenylalanine, which is neutral and non-polar, at codon 40 of the GLB1 protein (p.Ser40Phe).

NM_000404.4(GLB1):c.119C>T (p.Ser40Phe)

Gene: GLB1 (galactosidase beta 1; minus strand). Cytogenetic location: 3p22.3.
Variant type: single nucleotide variant.
Coding change: c.119C>T on transcript NM_000404.4 (MANE Select); coding-DNA position 119, C replaced by T.
Protein change: p.Ser40Phe; replaces serine 40 with phenylalanine.
Molecular consequence: missense variant.
Genome position (GRCh38, 1-based): chr3:33,072,670, G>A on the plus strand (C>T on the coding strand, the complement: GLB1 is on the minus strand). VCF-style: chr3-33072670-G-A. GRCh37 (hg19) VCF-style: chr3-33114162-G-A.
Other names: c.29C>T, p.Ser10Phe (NM_001079811.3); c.119C>T, p.Ser40Phe (NM_001135602.3, NM_001393580.1); c.263C>T, p.Ser88Phe (NM_001317040.2); short protein forms S10F, S40F, S88F.
Identifiers: ClinVar variation 2421838 (VCV002421838.6), dbSNP rs1474404671, ClinGen allele CA351996898.